The following is an entry in ClinVar:

ClinVar aggregate classification (germline): Uncertain significance. Review status: reviewed by expert panel (3 of 4 stars). 3 submissions from 3 submitters: Uncertain significance (1). 2 of the submissions do not count toward it. Last evaluated 2024-10-29.

Conditions:
Hereditary thrombocytopenia and hematological cancer predisposition syndrome associated with RUNX1. Also called: Familial Platelet Disorder with Propensity to Acute Myelogenous Leukemia; Familial thrombocytopenia with propensity to acute myelogenous leukemia; RUNX1 Familial Platelet Disorder with Associated Myeloid Malignancies; PLATELET DISORDER, ASPIRIN-LIKE. Identifiers: Orphanet 71290, MedGen C1832388, MeSH C563324, MONDO:0100083, OMIM 601399.
Hereditary thrombocytopenia and hematologic cancer predisposition syndrome. Identifiers: Orphanet 71290, MedGen CN281654, MONDO:0011071.
Inborn genetic diseases. Identifiers: MedGen C0950123, MeSH D030342.

Submissions (3):

ClinGen Myeloid Malignancy Variant Curation Expert Panel
Classification: Uncertain significance for Hereditary thrombocytopenia and hematologic cancer predisposition syndrome. Last evaluated: 2024-10-29. Review status: reviewed by expert panel. Criteria: ClinGen MyeloMalig ACMG Specifications v2. Collection method: curation. Allele origin: germline. Inheritance: Autosomal dominant inheritance.
Comment: NM_001754.5(RUNX1):c.730G>A (p.Ala244Thr) is a missense variant which has a REVEL score < 0.50 (0.277) and a SpliceAI score ≤ 0.20 (0.08) (BP4). This variant is completely absent from all population databases with at least 20x coverage for RUNX1 (PM2_Supporting). In summary, the clinical significance of this variant is uncertain. ACMG/AMP criteria applied, as specified by the Myeloid Malignancy Variant Curation Expert Panel for RUNX1: BP4, PM2_supporting.

Ambry Genetics
Classification: Uncertain significance for Inborn genetic diseases. Last evaluated: 2024-12-23. Review status: criteria provided, single submitter. Criteria: Ambry Variant Classification Scheme 2023. Collection method: clinical testing. Allele origin: germline. Not counted in ClinVar's aggregate classification.
Comment: The p.A244T variant (also known as c.730G>A), located in coding exon 6 of the RUNX1 gene, results from a G to A substitution at nucleotide position 730. The alanine at codon 244 is replaced by threonine, an amino acid with similar properties. This amino acid position is conserved. In addition, the in silico prediction for this alteration is inconclusive. Based on the available evidence, the clinical significance of this variant remains unclear.

Labcorp Genetics (formerly Invitae), Labcorp
Classification: Uncertain significance for Hereditary thrombocytopenia and hematological cancer predisposition syndrome associated with RUNX1. Last evaluated: 2021-12-24. Review status: criteria provided, single submitter. Criteria: Invitae Variant Classification Sherloc (09022015). Collection method: clinical testing. Allele origin: germline. Not counted in ClinVar's aggregate classification.
Comment: This sequence change replaces alanine, which is neutral and non-polar, with threonine, which is neutral and polar, at codon 244 of the RUNX1 protein (p.Ala244Thr). This variant is not present in population databases (gnomAD no frequency). This variant has not been reported in the literature in individuals affected with RUNX1-related conditions. ClinVar contains an entry for this variant (Variation ID: 972242). Algorithms developed to predict the effect of missense changes on protein structure and function (SIFT, PolyPhen-2, Align-GVGD) all suggest that this variant is likely to be tolerated. In summary, the available evidence is currently insufficient to determine the role of this variant in disease. Therefore, it has been classified as a Variant of Uncertain Significance.

NM_001754.5(RUNX1):c.730G>A (p.Ala244Thr)

Gene: RUNX1 (RUNX family transcription factor 1; minus strand). Cytogenetic location: 21q22.12.
Variant type: single nucleotide variant.
Coding change: c.730G>A on transcript NM_001754.5 (MANE Select); coding-DNA position 730, G replaced by A.
Protein change: p.Ala244Thr; replaces alanine 244 with threonine.
Molecular consequence: missense variant.
Genome position (GRCh38, 1-based): chr21:34,834,485, C>T on the plus strand (G>A on the coding strand, the complement: RUNX1 is on the minus strand). VCF-style: chr21-34834485-C-T. GRCh37 (hg19) VCF-style: chr21-36206782-C-T.
Other names: NM_001754.5(RUNX1):c.730G>A; p.Ala244Thr; c.649G>A, p.Ala217Thr (NM_001001890.3, NM_001122607.2); short protein forms A217T, A244T.
Identifiers: ClinVar variation 972242 (VCV000972242.10), dbSNP rs2057112574, ClinGen allele CA410206807.
Genomic context (GRCh38, chr21:34,834,485, plus strand): 5'-GAGGCTGAGGGTTAAAGGCAGTGGAGTGGTTCAGGGAGGCACGAGGGTTGGGCGTGGGGG[C>T]TGGGTGGTGTGGGCTGACCCTCATGGCTGTGCGCCGCAGCTGCTCCAGTTCACTGAGCCG-3'
Protein context (NP_001745.2, residues 234-254): TAMRVSPHHP[Ala244Thr]PTPNPRASLN